The following is an entry in ClinVar:

NM_032043.3(BRIP1):c.1682A>C (p.Gln561Pro)

Gene: BRIP1 (BRCA1 interacting DNA helicase 1; minus strand). Cytogenetic location: 17q23.2.
Variant type: single nucleotide variant.
Coding change: c.1682A>C on transcript NM_032043.3 (MANE Select); coding-DNA position 1682, A replaced by C.
Protein change: p.Gln561Pro; replaces glutamine 561 with proline.
Molecular consequence: missense variant.
Genome position (GRCh38, 1-based): chr17:61,780,952, T>G on the plus strand (A>C on the coding strand, the complement: BRIP1 is on the minus strand). VCF-style: chr17-61780952-T-G. GRCh37 (hg19) VCF-style: chr17-59858313-T-G.
Other names: short protein forms Q561P.
Identifiers: ClinVar variation 664333 (VCV000664333.12), dbSNP rs1603334713, ClinGen allele CA400480476.
Genomic context (GRCh38, chr17:61,780,952, plus strand): 5'-CGTGAACGTTTCTTATTTTTTGGTAGAACCAACAACCCATTTTTGTCTGAAATATCAATC[T>G]GATTTGTCCAGGAGTAAGTCTGTTGAATCGCAATTTTATAATCATCTGCAAATCTAGATG-3'
Protein context (NP_114432.2, residues 551-571): AIQQTYSWTN[Gln561Pro]IDISDKNGLL

ClinVar aggregate classification (germline): Uncertain significance. Review status: criteria provided, multiple submitters, no conflicts (2 of 4 stars). 3 submissions from 3 submitters: Uncertain significance (3). Last evaluated 2024-08-08.

Conditions:
Hereditary cancer-predisposing syndrome. Also called: Neoplastic Syndromes, Hereditary; Hereditary neoplastic syndrome; Tumor predisposition; Hereditary Cancer Syndrome. Identifiers: Orphanet 140162, MedGen C0027672, MeSH D009386, MONDO:0015356.
Familial cancer of breast. Also called: Hereditary breast cancer; BREAST CANCER, FAMILIAL; hereditary breast carcinoma. Identifiers: Orphanet 227535, MedGen C0346153, MONDO:0016419, OMIM 114480. Disease mechanism: loss of function.
Fanconi anemia complementation group J. Also called: BRIP1-Related Fanconi Anemia. Identifiers: Orphanet 84, MedGen C1836860, MONDO:0012187, OMIM 609054.

Submissions (3):

Labcorp Genetics (formerly Invitae), Labcorp
Classification: Uncertain significance for Familial cancer of breast; Fanconi anemia complementation group J. Last evaluated: 2024-08-08. Review status: criteria provided, single submitter. Criteria: Invitae Variant Classification Sherloc (09022015). Collection method: clinical testing. Allele origin: germline.
Comment: This sequence change replaces glutamine, which is neutral and polar, with proline, which is neutral and non-polar, at codon 561 of the BRIP1 protein (p.Gln561Pro). This variant is not present in population databases (gnomAD no frequency). This variant has not been reported in the literature in individuals affected with BRIP1-related conditions. ClinVar contains an entry for this variant (Variation ID: 664333). Advanced modeling of protein sequence and biophysical properties (such as structural, functional, and spatial information, amino acid conservation, physicochemical variation, residue mobility, and thermodynamic stability) performed at Invitae indicates that this missense variant is not expected to disrupt BRIP1 protein function with a negative predictive value of 80%. In summary, the available evidence is currently insufficient to determine the role of this variant in disease. Therefore, it has been classified as a Variant of Uncertain Significance.

Ambry Genetics
Classification: Uncertain significance for Hereditary cancer-predisposing syndrome. Last evaluated: 2023-06-21. Review status: criteria provided, single submitter. Criteria: Ambry Variant Classification Scheme 2023. Collection method: clinical testing. Allele origin: germline.
Comment: The p.Q561P variant (also known as c.1682A>C), located in coding exon 11 of the BRIP1 gene, results from an A to C substitution at nucleotide position 1682. The glutamine at codon 561 is replaced by proline, an amino acid with similar properties. This amino acid position is conserved. In addition, the in silico prediction for this alteration is inconclusive. Since supporting evidence is limited at this time, the clinical significance of this alteration remains unclear.

Women's Health and Genetics/Laboratory Corporation of America, LabCorp
Classification: Uncertain significance. Last evaluated: 2022-01-22. Review status: criteria provided, single submitter. Criteria: LabCorp Variant Classification Summary - May 2015. Collection method: clinical testing. Allele origin: germline.